The following is an entry in ClinVar:

ClinVar aggregate classification (germline): Benign. Review status: criteria provided, single submitter (1 of 4 stars). 2 submissions from 2 submitters: Benign (1). 1 of the submissions does not count toward it. Last evaluated 2016-03-28.

Conditions:
Tramadol response. Also called: Ultram response. Identifiers: MedGen CN078023.

Allele frequency attached by ClinVar (database versions not stated): 1000 Genomes Project 0.14996; 1000 Genomes Project 30x 0.15506; ExAC 0.19051; TOPMed 0.20377; gnomAD 0.21164.
gnomAD v4.1: 153,501 of 718,426 alleles (21%); highest among the groups gnomAD compares: Middle Eastern, 28%; 17,560 homozygotes.

Submissions (2):

Laboratory for Molecular Medicine, Mass General Brigham Personalized Medicine
Classification: Benign. Last evaluated: 2016-03-28. Review status: criteria provided, single submitter. Criteria: LMM Criteria. Collection method: clinical testing. Allele origin: germline.
Comment: Variant identified in a genome or exome case(s) and assessed due to predicted null impact of the variant or pathogenic assertions in the literature or databases. Disclaimer: This variant has not undergone full assessment. The following are preliminary notes: Frequency in 1000Genomes: 360/2178=16.5%

Bruce Budowle Laboratory, University of North Texas Health Science Center
Classification: drug response for Tramadol response. Last evaluated: 2018-04-28. Review status: no assertion criteria provided. Collection method: research. Allele origin: somatic. Affected: yes. Observed: 177 variant alleles. Not counted in ClinVar's aggregate classification.

NM_000914.5(OPRM1):c.1165-11152C>T

Gene: OPRM1 (opioid receptor mu 1; plus strand). Cytogenetic location: 6q25.2.
Variant type: single nucleotide variant.
Coding change: c.1165-11152C>T on transcript NM_000914.5 (MANE Select); 11152 bases into the intron before coding-DNA position 1165, C replaced by T.
Molecular consequence: intron variant. On other transcripts: nonsense (1).
Genome position (GRCh38, 1-based): chr6:154,107,531, C>T. VCF-style: chr6-154107531-C-T. GRCh37 (hg19) VCF-style: chr6-154428666-C-T.
Other names: c.1231C>T, p.Gln411Ter (NM_001145286.3); c.1444-11152C>T (NM_001145279.4, NM_001285524.1); c.865-11152C>T (NM_001145280.4, NM_001145287.3, NM_001285526.2); c.922-11152C>T (NM_001145281.3); c.291-11152C>T (NM_001285522.1); c.1164+16059C>T (NM_001008503.3); c.1165-85C>T (NM_001145285.3); c.1165-2824C>T (NM_001145282.2); and 2 more; short protein forms Q411*.
Identifiers: ClinVar variation 403268 (VCV000403268.6), dbSNP rs677830, ClinGen allele CA4061715.